The following is an entry in ClinVar:

NM_001312909.2(FAM111A):c.1154A>G (p.His385Arg)

Gene: FAM111A (FAM111 trypsin like peptidase A; plus strand). Cytogenetic location: 11q12.1.
Variant type: single nucleotide variant.
Coding change: c.1154A>G on transcript NM_001312909.2 (MANE Select); coding-DNA position 1154, A replaced by G.
Protein change: p.His385Arg; replaces histidine 385 with arginine.
Molecular consequence: missense variant.
Genome position (GRCh38, 1-based): chr11:59,152,822, A>G. VCF-style: chr11-59152822-A-G. GRCh37 (hg19) VCF-style: chr11-58920295-A-G.
Other names: c.1154A>G, p.His385Arg (NM_001374849.1, NM_001374850.1, NM_001374851.1 and 29 more transcripts); short protein forms H385R.
Identifiers: ClinVar variation 5018736 (VCV005018736.2).

ClinVar aggregate classification (germline): Uncertain significance (1 of 4 stars; one submission).

Conditions:
Osteocraniostenosis (GCLEB). Also called: HABRODYSPLASIA; OSTEOCRANIOSPLENIC SYNDROME; Osteocraniostenosis (Gracile Bone Dysplasia). Identifiers: Orphanet 2763, MedGen C1865639, MONDO:0011215, OMIM 602361.
Autosomal dominant Kenny-Caffey syndrome. Also called: Kenny-Caffey syndrome type 2. Identifiers: Orphanet 2333, Orphanet 93325, MedGen C4316787, MONDO:0007478, OMIM 127000.

gnomAD v4.1: 1 of 1,614,168 alleles (0.000062%); highest among the groups gnomAD compares: Non-Finnish European, 0.000085%; no homozygotes.

Submission:

Juno Genomics, Hangzhou Juno Genomics, Inc
Classification: Uncertain significance for Osteocraniostenosis; Autosomal dominant Kenny-Caffey syndrome. Review status: criteria provided, single submitter. Criteria: ACMG Guidelines, 2015. Collection method: clinical testing. Allele origin: germline.
Comment: Absent from controls (or at extremely low frequency if recessive) in Genome Aggregation Database.;Multiple lines of computational evidence support a deleterious effect on the gene or gene product.